The following is an entry in ClinVar:

ClinVar aggregate classification (germline): Uncertain significance (1 of 4 stars; one submission).

Conditions:
Neuropathy, hereditary sensory and autonomic, type 2A (HSAN2A). Also called: ACROOSTEOLYSIS, GIACCAI TYPE; ACROOSTEOLYSIS, NEUROGENIC; MORVAN DISEASE; NEUROPATHY, CONGENITAL SENSORY; NEUROPATHY, HEREDITARY SENSORY RADICULAR, AUTOSOMAL RECESSIVE; NEUROPATHY, HEREDITARY SENSORY, TYPE IIA. Identifiers: Orphanet 970, MedGen C2752089, MONDO:0024309, OMIM 201300.
Pseudohypoaldosteronism type 2C (PHA2C). Also called: Pseudohypoaldosteronism Type IIC. Identifiers: Orphanet 757, Orphanet 88940, MedGen C1840391, MONDO:0013778, OMIM 614492.

Submission:

Labcorp Genetics (formerly Invitae), Labcorp
Classification: Uncertain significance for Neuropathy, hereditary sensory and autonomic, type 2A; Pseudohypoaldosteronism type 2C. Last evaluated: 2024-10-15. Review status: criteria provided, single submitter. Criteria: Invitae Variant Classification Sherloc (09022015). Collection method: clinical testing. Allele origin: germline.
Comment: This variant, c.11_13dup, results in the insertion of 1 amino acid to the WNK1 protein (p.Gly4dup), but otherwise preserves the integrity of the reading frame. This variant is not present in population databases (gnomAD no frequency). This variant has not been reported in the literature in individuals affected with WNK1-related conditions. Experimental studies and prediction algorithms are not available or were not evaluated, and the functional significance of this variant is currently unknown. In summary, the available evidence is currently insufficient to determine the role of this variant in disease. Therefore, it has been classified as a Variant of Uncertain Significance.

NM_018979.4(WNK1):c.8GCG[3] (p.Gly4dup)

Gene: WNK1 (WNK lysine deficient protein kinase 1; plus strand). Cytogenetic location: 12p13.33.
Variant type: Microsatellite.
Coding change: c.8GCG[3] on transcript NM_018979.4 (MANE Select); three copies in a row of the 3-base unit GCG starting at c.8; the reference has two copies in a row; one copy, 3 bases duplicated.
Protein change: p.Gly4dup; duplicates glycine 4.
Molecular consequence: inframe insertion.
Genome position (GRCh38, 1-based): chr12:753,576-753,578, GCG duplicated; duplicating any 3 consecutive bases within chr12:753,572-753,578 gives the same sequence; the position shown is the placement nearest the transcript's 3' end. VCF-style (leftmost placement, unchanged base first): chr12-753571-T-TGGC. GRCh37 (hg19) VCF-style: chr12-862737-T-TGGC.
Other names: c.8GCG[3], p.Gly4dup (NM_001184985.2, NM_014823.3, NM_213655.5).
Identifiers: ClinVar variation 1422552 (VCV001422552.6), dbSNP rs2120988352, ClinGen allele CA2580615108.